The following is an entry in ClinVar:

ClinVar aggregate classification (germline): Pathogenic (1 of 4 stars; one submission).

Conditions:
Primary ciliary dyskinesia. Also called: Ciliary dyskinesia. Identifiers: Orphanet 244, MedGen C0008780, MONDO:0016575, HP:0012265.

Submission:

Labcorp Genetics (formerly Invitae), Labcorp
Classification: Pathogenic for Primary ciliary dyskinesia. Last evaluated: 2024-01-07. Review status: criteria provided, single submitter. Criteria: Invitae Variant Classification Sherloc (09022015). Collection method: clinical testing. Allele origin: germline.
Comment: This sequence change affects an acceptor splice site in intron 11 of the CCDC39 gene. It is expected to disrupt RNA splicing. Variants that disrupt the donor or acceptor splice site typically lead to a loss of protein function (PMID: 16199547), and loss-of-function variants in CCDC39 are known to be pathogenic (PMID: 21131972, 23255504). This variant is not present in population databases (gnomAD no frequency). Disruption of this splice site has been observed in individual(s) with primary ciliary dyskinesia (PMID: 32253119). Algorithms developed to predict the effect of sequence changes on RNA splicing suggest that this variant may disrupt the consensus splice site. For these reasons, this variant has been classified as Pathogenic.

Literature cited by the submitters: PubMed 16199547; PubMed 21131972; PubMed 23255504; PubMed 32253119.

NM_181426.2(CCDC39):c.1528-2A>G

Gene: CCDC39 (coiled-coil domain 39 molecular ruler complex subunit; minus strand). Cytogenetic location: 3q26.33.
Variant type: single nucleotide variant.
Coding change: c.1528-2A>G on transcript NM_181426.2 (MANE Select); the canonical splice acceptor site of the intron before coding-DNA position 1528, A replaced by G.
Molecular consequence: splice acceptor variant.
Genome position (GRCh38, 1-based): chr3:180,644,259, T>C on the plus strand (A>G on the coding strand, the complement: CCDC39 is on the minus strand). VCF-style: chr3-180644259-T-C. GRCh37 (hg19) VCF-style: chr3-180362047-T-C.
Identifiers: ClinVar variation 2780034 (VCV002780034.3), dbSNP rs1432128768, ClinGen allele CA355309847.